The following is an entry in ClinVar:

NM_006031.6(PCNT):c.5737G>A (p.Gly1913Arg)

Gene: PCNT (pericentrin; plus strand). Cytogenetic location: 21q22.3.
Variant type: single nucleotide variant.
Coding change: c.5737G>A on transcript NM_006031.6 (MANE Select); coding-DNA position 5737, G replaced by A.
Protein change: p.Gly1913Arg; replaces glycine 1913 with arginine.
Molecular consequence: missense variant.
Genome position (GRCh38, 1-based): chr21:46,411,810, G>A. VCF-style: chr21-46411810-G-A. GRCh37 (hg19) VCF-style: chr21-47831724-G-A.
Other names: c.5383G>A, p.Gly1795Arg (NM_001315529.2); short protein forms G1795R, G1913R.
Identifiers: ClinVar variation 1397533 (VCV001397533.3), dbSNP rs776924524, ClinGen allele CA10080077.

ClinVar aggregate classification (germline): Uncertain significance (1 of 4 stars; one submission).

Allele frequency attached by ClinVar (database versions not stated): gnomAD 0.00001 and 0.00002; gnomAD exomes 0.00002 and 0.00005; TOPMed 0.00004; ExAC 0.00007.
gnomAD v4.1: 36 of 1,585,174 alleles (0.0023%); highest among the groups gnomAD compares: East Asian, 0.023%; no homozygotes.

Submission:

Labcorp Genetics (formerly Invitae), Labcorp
Classification: Uncertain significance. Last evaluated: 2022-07-18. Review status: criteria provided, single submitter. Criteria: Invitae Variant Classification Sherloc (09022015). Collection method: clinical testing. Allele origin: germline.
Comment: This sequence change replaces glycine, which is neutral and non-polar, with arginine, which is basic and polar, at codon 1913 of the PCNT protein (p.Gly1913Arg). This variant is present in population databases (rs776924524, gnomAD 0.04%). This variant has not been reported in the literature in individuals affected with PCNT-related conditions. ClinVar contains an entry for this variant (Variation ID: 1397533). Algorithms developed to predict the effect of missense changes on protein structure and function (SIFT, PolyPhen-2, Align-GVGD) all suggest that this variant is likely to be tolerated. In summary, the available evidence is currently insufficient to determine the role of this variant in disease. Therefore, it has been classified as a Variant of Uncertain Significance.